The following is an entry in ClinVar:

NM_138694.4(PKHD1):c.573C>A (p.Cys191Ter)

Gene: PKHD1 (PKHD1 ciliary IPT domain containing fibrocystin/polyductin; minus strand). Cytogenetic location: 6p12.2.
Variant type: single nucleotide variant.
Coding change: c.573C>A on transcript NM_138694.4 (MANE Select); coding-DNA position 573, C replaced by A.
Protein change: p.Cys191Ter; replaces cysteine 191 with a stop codon.
Molecular consequence: nonsense.
Genome position (GRCh38, 1-based): chr6:52,072,144, G>T on the plus strand (C>A on the coding strand, the complement: PKHD1 is on the minus strand). VCF-style: chr6-52072144-G-T. GRCh37 (hg19) VCF-style: chr6-51936942-G-T.
Other names: c.573C>A, p.Cys191Ter (NM_170724.3); short protein forms C191*.
Identifiers: ClinVar variation 2501286 (VCV002501286.3), dbSNP rs1397593913, ClinGen allele CA364435025.

ClinVar aggregate classification (germline): Likely pathogenic. Review status: criteria provided, multiple submitters, no conflicts (2 of 4 stars). 2 submissions from 2 submitters: Likely pathogenic (2). Last evaluated 2024-07-19.

Conditions:
Autosomal recessive polycystic kidney disease (ARPKD). Also called: AR polycystic kidney disease. Identifiers: Orphanet 731, Orphanet 8378, MedGen C0085548, MeSH D017044, MONDO:0009889.

Allele frequency attached by ClinVar (database versions not stated): gnomAD exomes below 0.00001.
gnomAD v4.1: 2 of 1,609,754 alleles (0.00012%); highest among the groups gnomAD compares: South Asian, 0.0022%; no homozygotes.

Submissions (2):

Natera, Inc.
Classification: Likely pathogenic for Autosomal recessive polycystic kidney disease. Last evaluated: 2024-07-19. Review status: criteria provided, single submitter. Criteria: Natera Variant Classification Schema (03/2026). Collection method: clinical testing. Allele origin: germline.
Comment: The c.573C>A variant in PKHD1 is a nonsense variant predicted to introduce a stop codon at amino acid 191. This variant is expected to result in nonsense mediated decay, truncation, or a dysfunctional protein product. This variant is rare in the general population with a frequency below the threshold expected for the associated phenotype(s). Given the available evidence, this variant is classified as Likely Pathogenic.

Women's Health and Genetics/Laboratory Corporation of America, LabCorp
Classification: Likely pathogenic for Autosomal recessive polycystic kidney disease. Last evaluated: 2023-03-22. Review status: criteria provided, single submitter. Criteria: LabCorp Variant Classification Summary - May 2015. Collection method: clinical testing. Allele origin: germline.
Comment: Variant summary: PKHD1 c.573C>A (p.Cys191X) results in a premature termination codon, predicted to cause a truncation of the encoded protein or absence of the protein due to nonsense mediated decay, which are commonly known mechanisms for disease. Truncations downstream of this position have been classified as pathogenic by our laboratory. The variant allele was found at a frequency of 4e-06 in 251186 control chromosomes. To our knowledge, no occurrence of c.573C>A in individuals affected with Polycystic Kidney And Hepatic Disease and no experimental evidence demonstrating its impact on protein function have been reported. No clinical diagnostic laboratories have submitted clinical-significance assessments for this variant to ClinVar after 2014. Based on the evidence outlined above, the variant was classified as likely pathogenic.